The following is an entry in ClinVar:

NM_006227.4(PLTP):c.355T>G (p.Ser119Ala)

Gene: PLTP (phospholipid transfer protein; minus strand). Cytogenetic location: 20q13.12.
Variant type: single nucleotide variant.
Coding change: c.355T>G on transcript NM_006227.4 (MANE Select); coding-DNA position 355, T replaced by G.
Protein change: p.Ser119Ala; replaces serine 119 with alanine.
Molecular consequence: missense variant. On other transcripts: intron variant (2).
Genome position (GRCh38, 1-based): chr20:45,909,646, A>C on the plus strand (T>G on the coding strand, the complement: PLTP is on the minus strand). VCF-style: chr20-45909646-A-C. GRCh37 (hg19) VCF-style: chr20-44538285-A-C.
Other names: c.91T>G, p.Ser31Ala (NM_001242921.1); c.200+1506T>G (NM_001242920.2); c.329+296T>G (NM_182676.3); short protein forms S119A, S31A.
Identifiers: ClinVar variation 1981886 (VCV001981886.4), dbSNP rs751031120, ClinGen allele CA315612921.

ClinVar aggregate classification (germline): Uncertain significance (1 of 4 stars; one submission).

Allele frequency attached by ClinVar (database versions not stated): gnomAD 0.00003; TOPMed 0.00003; gnomAD exomes 0.00009.
gnomAD v4.1: 136 of 1,614,060 alleles (0.0084%); highest among the groups gnomAD compares: Non-Finnish European, 0.011%; no homozygotes.

Submission:

Labcorp Genetics (formerly Invitae), Labcorp
Classification: Uncertain significance. Last evaluated: 2024-07-23. Review status: criteria provided, single submitter. Criteria: Invitae Variant Classification Sherloc (09022015). Collection method: clinical testing. Allele origin: germline.
Comment: This sequence change replaces serine, which is neutral and polar, with alanine, which is neutral and non-polar, at codon 119 of the PLTP protein (p.Ser119Ala). This variant is present in population databases (rs751031120, gnomAD 0.0009%). This missense change has been observed in individual(s) with dyslipidemia (PMID: 16388083, 32041611). ClinVar contains an entry for this variant (Variation ID: 1981886). An algorithm developed to predict the effect of missense changes on protein structure and function (PolyPhen-2) suggests that this variant is likely to be disruptive. Experimental studies have shown that this missense change does not substantially affect PLTP function (PMID: 16388083). In summary, the available evidence is currently insufficient to determine the role of this variant in disease. Therefore, it has been classified as a Variant of Uncertain Significance.

Literature cited by the submitters: PubMed 16388083; PubMed 32041611.